The following is an entry in ClinVar:

NM_001100913.3(PACS2):c.2041G>A (p.Glu681Lys)

Gene: PACS2 (phosphofurin acidic cluster sorting protein 2; plus strand). Cytogenetic location: 14q32.33.
Variant type: single nucleotide variant.
Coding change: c.2041G>A on transcript NM_001100913.3 (MANE Select); coding-DNA position 2041, G replaced by A.
Protein change: p.Glu681Lys; replaces glutamic acid 681 with lysine.
Molecular consequence: missense variant.
Genome position (GRCh38, 1-based): chr14:105,389,968, G>A. VCF-style: chr14-105389968-G-A. GRCh37 (hg19) VCF-style: chr14-105856305-G-A.
Other names: c.1771G>A, p.Glu591Lys (NM_001243127.3); c.1996G>A, p.Glu666Lys (NM_015197.4); short protein forms E591K, E666K, E681K.
Identifiers: ClinVar variation 4885803 (VCV004885803.2).

ClinVar aggregate classification (germline): Uncertain significance (1 of 4 stars; one submission).

Submission:

Dasa
Classification: Uncertain significance. Last evaluated: 2025-09-25. Review status: criteria provided, single submitter. Criteria: DASA Assertion Criteria. Collection method: clinical testing. Allele origin: germline.
Comment: NM_001100913.3(PACS2):c.2041G>A (p.Glu681Lys) is a missense variant that results in the substitution of glutamic acid with lysine. This variant is absent from population databases. The currently available literature and clinical evidence are not sufficient to establish a definitive association between this variant and the reported condition. Therefore, this variant is classified as a variant of uncertain significance.